The following is an entry in ClinVar:

ClinVar aggregate classification (germline): Uncertain significance (1 of 4 stars; one submission).

gnomAD v4.1: 20 of 1,614,020 alleles (0.0012%); highest among the groups gnomAD compares: Non-Finnish European, 0.0017%; no homozygotes.

Submission:

Labcorp Genetics (formerly Invitae), Labcorp
Classification: Uncertain significance. Last evaluated: 2025-01-11. Review status: criteria provided, single submitter. Criteria: Invitae Variant Classification Sherloc (09022015). Collection method: clinical testing. Allele origin: germline.
Comment: This sequence change replaces glycine, which is neutral and non-polar, with arginine, which is basic and polar, at codon 490 of the ALPK3 protein (p.Gly490Arg). This variant is present in population databases (no rsID available, gnomAD 0.002%). This variant has not been reported in the literature in individuals affected with ALPK3-related conditions. ClinVar contains an entry for this variant (Variation ID: 1465793). Invitae Evidence Modeling of protein sequence and biophysical properties (such as structural, functional, and spatial information, amino acid conservation, physicochemical variation, residue mobility, and thermodynamic stability) indicates that this missense variant is not expected to disrupt ALPK3 protein function with a negative predictive value of 80%. In summary, the available evidence is currently insufficient to determine the role of this variant in disease. Therefore, it has been classified as a Variant of Uncertain Significance.

NM_020778.5(ALPK3):c.862G>C (p.Gly288Arg)

Gene: ALPK3 (alpha kinase 3; plus strand). Cytogenetic location: 15q25.3.
Variant type: single nucleotide variant.
Coding change: c.862G>C on transcript NM_020778.5 (MANE Select); coding-DNA position 862, G replaced by C.
Protein change: p.Gly288Arg; replaces glycine 288 with arginine.
Molecular consequence: missense variant.
Genome position (GRCh38, 1-based): chr15:84,840,141, G>C. VCF-style: chr15-84840141-G-C. GRCh37 (hg19) VCF-style: chr15-85383372-G-C.
Other names: short protein forms G288R.
Identifiers: ClinVar variation 1465793 (VCV001465793.6), dbSNP rs909876510, ClinGen allele CA273665632.